The following is an entry in ClinVar:

NM_000090.4(COL3A1):c.690+162A>G

Gene: COL3A1 (collagen type III alpha 1 chain; plus strand). Cytogenetic location: 2q32.2.
Variant type: single nucleotide variant.
Coding change: c.690+162A>G on transcript NM_000090.4 (MANE Select); 162 bases into the intron after coding-DNA position 690, A replaced by G.
Molecular consequence: intron variant.
Genome position (GRCh38, 1-based): chr2:188,989,611, A>G. VCF-style: chr2-188989611-A-G. GRCh37 (hg19) VCF-style: chr2-189854337-A-G.
Other names: NC_000002.11:g.189854337A>G.
Identifiers: ClinVar variation 675785 (VCV000675785.2), dbSNP rs12619321, ClinGen allele CA62589758.

ClinVar aggregate classification (germline): Benign (1 of 4 stars; one submission).

Allele frequency attached by ClinVar (database versions not stated): gnomAD 0.02472 and 0.02510; 1000 Genomes Project 0.05012; TOPMed 0.02887; 1000 Genomes Project 30x 0.04934.
gnomAD v4.1: 3,805 of 152,268 alleles (2.5%); highest among the groups gnomAD compares: East Asian, 8.2%; 119 homozygotes.

Submissions (8):

GeneDx
Classification: Benign. Last evaluated: 2018-06-19. Review status: criteria provided, single submitter. Criteria: GeneDx Variant Classification (06012015). Collection method: clinical testing. Allele origin: germline. Affected: yes.
Comment: This variant is considered likely benign or benign based on one or more of the following criteria: it is a conservative change, it occurs at a poorly conserved position in the protein, it is predicted to be benign by multiple in silico algorithms, and/or has population frequency not consistent with disease.

Dr. Peter K. Rogan Lab, Western University
No classification provided (evidence only). Condition: Sarcoma. Review status: no classification provided. Collection method: in vitro. Allele origin: not applicable. Functional consequence: retained intron. Not counted in ClinVar's aggregate classification.

Dr. Peter K. Rogan Lab, Western University
No classification provided (evidence only). Condition: Hepatocellular carcinoma. Review status: no classification provided. Collection method: in vitro. Allele origin: not applicable. Functional consequence: retained intron. Not counted in ClinVar's aggregate classification.

Dr. Peter K. Rogan Lab, Western University
No classification provided (evidence only). Condition: Ovarian serous cystadenocarcinoma. Review status: no classification provided. Collection method: in vitro. Allele origin: not applicable. Functional consequence: retained intron. Not counted in ClinVar's aggregate classification.

Dr. Peter K. Rogan Lab, Western University
No classification provided (evidence only). Condition: Malignant tumor of esophagus. Review status: no classification provided. Collection method: in vitro. Allele origin: not applicable. Functional consequence: retained intron. Not counted in ClinVar's aggregate classification.

Dr. Peter K. Rogan Lab, Western University
No classification provided (evidence only). Condition: Malignant tumor of esophagus. Review status: no classification provided. Collection method: in vitro. Allele origin: not applicable. Functional consequence: retained intron. Not counted in ClinVar's aggregate classification.

Dr. Peter K. Rogan Lab, Western University
No classification provided (evidence only). Condition: Malignant tumor of esophagus. Review status: no classification provided. Collection method: in vitro. Allele origin: not applicable. Functional consequence: retained intron. Not counted in ClinVar's aggregate classification.

Dr. Peter K. Rogan Lab, Western University
No classification provided (evidence only). Condition: Malignant tumor of esophagus. Review status: no classification provided. Collection method: in vitro. Allele origin: not applicable. Functional consequence: retained intron. Not counted in ClinVar's aggregate classification.